The following is an entry in ClinVar:

ClinVar aggregate classification (germline): Uncertain significance (1 of 4 stars; one submission).

Conditions:
Meckel-Gruber syndrome. Also called: Dysencephalia splachnocystica; DYSENCEPHALIA SPLANCHNOCYSTICA; GRUBER SYNDROME. Identifiers: Orphanet 564, MedGen C0265215, MONDO:0018921.
Joubert syndrome. Also called: Familial aplasia of the vermis; JOUBERT-BOLTSHAUSER SYNDROME. Identifiers: Orphanet 475, MedGen C5979921, MONDO:0018772.

Allele frequency attached by ClinVar (database versions not stated): gnomAD 0.00001; TOPMed 0.00001.
gnomAD v4.1: 1 of 1,613,236 alleles (0.000062%); highest among the groups gnomAD compares: Non-Finnish European, 0.000085%; no homozygotes.

Submission:

Labcorp Genetics (formerly Invitae), Labcorp
Classification: Uncertain significance for Joubert syndrome; Meckel-Gruber syndrome. Last evaluated: 2022-02-24. Review status: criteria provided, single submitter. Criteria: Invitae Variant Classification Sherloc (09022015). Collection method: clinical testing. Allele origin: germline.
Comment: This sequence change replaces histidine, which is basic and polar, with proline, which is neutral and non-polar, at codon 1088 of the CC2D2A protein (p.His1088Pro). This variant is not present in population databases (gnomAD no frequency). This variant has not been reported in the literature in individuals affected with CC2D2A-related conditions. ClinVar contains an entry for this variant (Variation ID: 933472). Algorithms developed to predict the effect of missense changes on protein structure and function (SIFT, PolyPhen-2, Align-GVGD) all suggest that this variant is likely to be tolerated. In summary, the available evidence is currently insufficient to determine the role of this variant in disease. Therefore, it has been classified as a Variant of Uncertain Significance.

NM_001378615.1(CC2D2A):c.3263A>C (p.His1088Pro)

Genes: FBXL5 (F-box and leucine rich repeat protein 5; minus strand), CC2D2A (coiled-coil and C2 domain containing 2A; plus strand). Cytogenetic location: 4p15.32.
Variant type: single nucleotide variant.
Coding change: c.3263A>C on transcript NM_001378615.1 (MANE Select); coding-DNA position 3263, A replaced by C.
Protein change: p.His1088Pro; replaces histidine 1088 with proline.
Molecular consequence: missense variant.
Genome position (GRCh38, 1-based): chr4:15,567,457, A>C. VCF-style: chr4-15567457-A-C. GRCh37 (hg19) VCF-style: chr4-15569080-A-C.
Other names: c.3263A>C, p.His1088Pro (NM_001080522.2); c.3116A>C, p.His1039Pro (NM_001378617.1); short protein forms H1088P, H1039P.
Identifiers: ClinVar variation 933472 (VCV000933472.7), dbSNP rs1295889715, ClinGen allele CA356417828.